The following is an entry in ClinVar:

ClinVar aggregate classification (germline): Pathogenic/Likely pathogenic. Review status: criteria provided, multiple submitters, no conflicts (2 of 4 stars). 4 submissions from 4 submitters: Pathogenic (3); Likely pathogenic (1). Last evaluated 2025-03-17.

Conditions:
Nephronophthisis. Also called: Juvenile Nephronophthisis. Identifiers: Orphanet 655, MedGen C0687120, MONDO:0019005, HP:0000090.
Nephronophthisis 4 (NPHP4). Also called: NEPHRONOPHTHISIS 4, JUVENILE. Identifiers: Orphanet 655, MedGen C1847013, MONDO:0011752, OMIM 606966.
Senior-Loken syndrome 4 (SLSN4). Identifiers: Orphanet 3156, MedGen C1846979, MONDO:0011756, OMIM 606996.
NPHP4-related disorder. Also called: NPHP4-related disorders; NPHP4-related condition. Identifiers: MedGen CN239384.

Allele frequency attached by ClinVar (database versions not stated): gnomAD 0.00001 and 0.00002; gnomAD exomes 0.00001 and 0.00002; TOPMed 0.00002; ExAC 0.00004; 1000 Genomes Project 30x 0.00031.
gnomAD v4.1: 21 of 1,600,638 alleles (0.0013%); highest among the groups gnomAD compares: Admixed American, 0.0034%; no homozygotes.

Submissions (4):

Labcorp Genetics (formerly Invitae), Labcorp
Classification: Pathogenic for Nephronophthisis. Last evaluated: 2025-03-17. Review status: criteria provided, single submitter. Criteria: Invitae Variant Classification Sherloc (09022015). Collection method: clinical testing. Allele origin: germline.
Comment: This sequence change creates a premature translational stop signal (p.Arg229*) in the NPHP4 gene. It is expected to result in an absent or disrupted protein product. Loss-of-function variants in NPHP4 are known to be pathogenic (PMID: 12205563, 23559409). The frequency data for this variant in the population databases is considered unreliable, as metrics indicate poor data quality at this position in the gnomAD database. This premature translational stop signal has been observed in individual(s) with nephronophthisis-related ciliopathies (PMID: 23559409). ClinVar contains an entry for this variant (Variation ID: 1431545). For these reasons, this variant has been classified as Pathogenic.

Blueprint Genetics
Classification: Likely pathogenic for NPHP4-related disorders. Last evaluated: 2021-05-11. Review status: criteria provided, single submitter. Criteria: ACMG Guidelines, 2015. Collection method: clinical testing. Allele origin: germline. Affected: yes. Observed: 1 variant allele.

Laboratory for Molecular Medicine, Mass General Brigham Personalized Medicine
Classification: Pathogenic for Nephronophthisis. Last evaluated: 2016-11-11. Review status: criteria provided, single submitter. Criteria: ACMG Guidelines, 2015. Collection method: clinical testing. Allele origin: germline. Inheritance: Autosomal recessive inheritance.
Comment: The p.Arg229X variant in NPHP4 has been reported in 1 homozygous individual with nephronophthisis-related ciliopathy (Halbritter 2013). This variant has been identified in 0.008% (2/26560) of European chromosomes by the Exome Aggregation Consortium (ExAC; dbSNP rs780268322). Although this variant has been seen in the general population, its frequency is low enough to be consistent with a recessive carrier frequency. This nonsense variant leads to a premature termination codon at position 229 which is predicted to lead to a truncated or absent protein. In summary, this variant meets criteria to be classified as pathogenic for nephronophthisis-related ciliopathy in an autosomal recessive manner.

Juno Genomics, Hangzhou Juno Genomics, Inc
Classification: Pathogenic for Nephronophthisis 4; Senior-Loken syndrome 4. Review status: criteria provided, single submitter. Criteria: ACMG Guidelines, 2015. Collection method: clinical testing. Allele origin: germline.
Comment: Absent from controls (or at extremely low frequency if recessive) in Genome Aggregation Database.;Null variant in a gene where loss of function (LOF) is a known mechanism of disease.;For recessive disorders, detected in trans with a pathogenic variant.

Literature cited by the submitters: PubMed 12205563 (cited by Labcorp Genetics (formerly Invitae), Labcorp); PubMed 23559409 (cited by Labcorp Genetics (formerly Invitae), Labcorp and Laboratory for Molecular Medicine, Mass General Brigham Personalized Medicine).

NM_015102.5(NPHP4):c.685C>T (p.Arg229Ter)

Gene: NPHP4 (nephrocystin 4; minus strand). Cytogenetic location: 1p36.31.
Variant type: single nucleotide variant.
Coding change: c.685C>T on transcript NM_015102.5 (MANE Select); coding-DNA position 685, C replaced by T.
Protein change: p.Arg229Ter; replaces arginine 229 with a stop codon.
Molecular consequence: nonsense. On other transcripts: 5 prime UTR variant (1), non-coding transcript variant (1), intron variant (1).
Genome position (GRCh38, 1-based): chr1:5,952,825, G>A on the plus strand (C>T on the coding strand, the complement: NPHP4 is on the minus strand). VCF-style: chr1-5952825-G-A. GRCh37 (hg19) VCF-style: chr1-6012885-G-A.
Other names: c.-682C>T (NM_001291594.2); c.-556-4574C>T (NM_001291593.2); short protein forms R229*.
Identifiers: ClinVar variation 1431545 (VCV001431545.9), dbSNP rs780268322, ClinGen allele CA554752.